The following is an entry in ClinVar:

ClinVar aggregate classification (germline): Uncertain significance (1 of 4 stars; one submission).

Allele frequency attached by ClinVar (database versions not stated): gnomAD exomes 0.00001.
gnomAD v4.1: 14 of 1,613,630 alleles (0.00087%); highest among the groups gnomAD compares: South Asian, 0.0055%; no homozygotes.

Submission:

Labcorp Genetics (formerly Invitae), Labcorp
Classification: Uncertain significance. Last evaluated: 2022-07-19. Review status: criteria provided, single submitter. Criteria: Invitae Variant Classification Sherloc (09022015). Collection method: clinical testing. Allele origin: germline.
Comment: This sequence change replaces histidine, which is basic and polar, with tyrosine, which is neutral and polar, at codon 1962 of the LRP2 protein (p.His1962Tyr). This variant is present in population databases (no rsID available, gnomAD 0.007%). This variant has not been reported in the literature in individuals affected with LRP2-related conditions. ClinVar contains an entry for this variant (Variation ID: 1509380). Advanced modeling of protein sequence and biophysical properties (such as structural, functional, and spatial information, amino acid conservation, physicochemical variation, residue mobility, and thermodynamic stability) performed at Invitae indicates that this missense variant is not expected to disrupt LRP2 protein function. In summary, the available evidence is currently insufficient to determine the role of this variant in disease. Therefore, it has been classified as a Variant of Uncertain Significance.

NM_004525.3(LRP2):c.5884C>T (p.His1962Tyr)

Gene: LRP2 (LDL receptor related protein 2; minus strand). Cytogenetic location: 2q31.1.
Variant type: single nucleotide variant.
Coding change: c.5884C>T on transcript NM_004525.3 (MANE Select); coding-DNA position 5884, C replaced by T.
Protein change: p.His1962Tyr; replaces histidine 1962 with tyrosine.
Molecular consequence: missense variant.
Genome position (GRCh38, 1-based): chr2:169,213,813, G>A on the plus strand (C>T on the coding strand, the complement: LRP2 is on the minus strand). VCF-style: chr2-169213813-G-A. GRCh37 (hg19) VCF-style: chr2-170070323-G-A.
Other names: short protein forms H1962Y.
Identifiers: ClinVar variation 1509380 (VCV001509380.5), dbSNP rs1455260174, ClinGen allele CA349134136.